The following is an entry in ClinVar:

ClinVar aggregate classification (germline): Uncertain significance. Review status: criteria provided, multiple submitters, no conflicts (2 of 4 stars). 3 submissions from 3 submitters: Uncertain significance (3). Last evaluated 2026-01-02.

Conditions:
Cardiovascular phenotype. Identifiers: MedGen CN230736.
Hereditary cancer-predisposing syndrome. Also called: Hereditary Cancer Syndrome; Hereditary neoplastic syndrome; Neoplastic Syndromes, Hereditary; Tumor predisposition. Identifiers: Orphanet 140162, MedGen C0027672, MeSH D009386, MONDO:0015356.

Allele frequency attached by ClinVar (database versions not stated): gnomAD exomes below 0.00001; ExAC 0.00001.
gnomAD v4.1: 3 of 1,613,008 alleles (0.00019%); highest among the groups gnomAD compares: South Asian, 0.0011%; no homozygotes.

Submissions (3):

Labcorp Genetics (formerly Invitae), Labcorp
Classification: Uncertain significance. Last evaluated: 2026-01-02. Review status: criteria provided, single submitter. Criteria: Invitae Variant Classification Sherloc (09022015). Collection method: clinical testing. Allele origin: germline.
Comment: This sequence change replaces arginine, which is basic and polar, with glutamine, which is neutral and polar, at codon 210 of the LZTR1 protein (p.Arg210Gln). The frequency data for this variant in the population databases is considered unreliable, as metrics indicate poor data quality at this position in the gnomAD database. This variant has not been reported in the literature in individuals affected with LZTR1-related conditions. ClinVar contains an entry for this variant (Variation ID: 1752691). Invitae Evidence Modeling of protein sequence and biophysical properties (such as structural, functional, and spatial information, amino acid conservation, physicochemical variation, residue mobility, and thermodynamic stability) indicates that this missense variant is not expected to disrupt LZTR1 protein function with a negative predictive value of 80%. In summary, the available evidence is currently insufficient to determine the role of this variant in disease. Therefore, it has been classified as a Variant of Uncertain Significance.

Ambry Genetics
Classification: Uncertain significance for Cardiovascular phenotype; Hereditary cancer-predisposing syndrome. Last evaluated: 2025-02-01. Review status: criteria provided, single submitter. Criteria: Ambry Variant Classification Scheme 2023. Collection method: clinical testing. Allele origin: germline.
Comment: The p.R210Q variant (also known as c.629G>A), located in coding exon 7 of the LZTR1 gene, results from a G to A substitution at nucleotide position 629. The arginine at codon 210 is replaced by glutamine, an amino acid with highly similar properties. This amino acid position is highly conserved in available vertebrate species. In addition, the in silico prediction for this alteration is inconclusive. Since supporting evidence is limited at this time, the clinical significance of this alteration remains unclear.

Blueprint Genetics
Classification: Uncertain significance. Last evaluated: 2024-10-28. Review status: criteria provided, single submitter. Criteria: ACMG Guidelines, 2015. Collection method: clinical testing. Allele origin: germline.

NM_006767.4(LZTR1):c.629G>A (p.Arg210Gln)

Gene: LZTR1 (leucine zipper like post translational regulator 1; plus strand). Cytogenetic location: 22q11.21.
Variant type: single nucleotide variant.
Coding change: c.629G>A on transcript NM_006767.4 (MANE Select); coding-DNA position 629, G replaced by A.
Protein change: p.Arg210Gln; replaces arginine 210 with glutamine.
Molecular consequence: missense variant.
Genome position (GRCh38, 1-based): chr22:20,989,660, G>A. VCF-style: chr22-20989660-G-A. GRCh37 (hg19) VCF-style: chr22-21343949-G-A.
Other names: short protein forms R210Q.
Identifiers: ClinVar variation 1752691 (VCV001752691.5), dbSNP rs771188127, ClinGen allele CA10118527.